The following is an entry in ClinVar:

ClinVar aggregate classification (germline): Likely pathogenic. Review status: criteria provided, multiple submitters, no conflicts (2 of 4 stars). 2 submissions from 2 submitters: Likely pathogenic (2). Last evaluated 2011-08-18.

Conditions:
Primary familial hypertrophic cardiomyopathy (HCM). Identifiers: Orphanet 99739, MedGen C0949658, MeSH D024741, MONDO:0024573. Inheritance: Various modes of inheritance.
Danon disease. Also called: Glycogen Storage Disease Type IIb; PSEUDOGLYCOGENOSIS II; GSD IIb; LYSOSOMAL GLYCOGEN STORAGE DISEASE WITHOUT ACID MALTASE DEFICIENCY; ANTOPOL DISEASE. Identifiers: Orphanet 34587, MedGen C0878677, MONDO:0010281, OMIM 300257.

Submissions (2):

Women's Health and Genetics/Laboratory Corporation of America, LabCorp
Classification: Likely pathogenic for Hypertrophic Cardiomyopathy. Last evaluated: 2011-08-18. Review status: criteria provided, single submitter. Criteria: LabCorp Variant Classification Summary - May 2015. Collection method: curation, clinical testing. Allele origin: germline. Inheritance: Xlinked unknown. Affected: yes.
ClinVar note: Converted during submission from likely pathogenic to Likely pathogenic.

Laboratory for Molecular Medicine, Mass General Brigham Personalized Medicine
Classification: Likely pathogenic for Danon disease. Last evaluated: 2010-02-24. Review status: criteria provided, single submitter. Criteria: LMM Criteria. Collection method: clinical testing. Allele origin: germline. Observed: 1 variant allele.

NM_002294.3(LAMP2):c.463del (p.Ser155fs)

Gene: LAMP2 (lysosome associated membrane protein 2; minus strand). Cytogenetic location: Xq24.
Variant type: Deletion.
Coding change: c.463del on transcript NM_002294.3 (MANE Select); coding-DNA position 463, one base deleted (A; older notation c.463delA).
Protein change: p.Ser155fs; shifts the reading frame from serine 155.
Molecular consequence: frameshift variant.
Genome position (GRCh38, 1-based): chrX:120,449,063, T deleted on the plus strand (A on the coding strand, the reverse complement: LAMP2 is on the minus strand). VCF-style (leftmost placement, unchanged base first): chrX-120449062-CT-C. GRCh37 (hg19) VCF-style: chrX-119582917-CT-C.
Other names: c.463delA (NM_002294.2); c.463del, p.Ser155fs (NM_001122606.1, NM_013995.2); short protein forms S155fs.
Identifiers: ClinVar variation 36441 (VCV000036441.6), dbSNP rs193922649, ClinGen allele CA134125.